The following is an entry in ClinVar:

NM_001009944.3(PKD1):c.3684del (p.Val1229fs)

Gene: PKD1 (polycystin 1, transient receptor potential channel interacting; minus strand). Cytogenetic location: 16p13.3.
Variant type: Deletion.
Coding change: c.3684del on transcript NM_001009944.3 (MANE Select); coding-DNA position 3684, one base deleted (C; older notation c.3684delC).
Protein change: p.Val1229fs; shifts the reading frame from valine 1229.
Molecular consequence: frameshift variant.
Genome position (GRCh38, 1-based): chr16:2,111,483, G deleted on the plus strand (C on the coding strand, the reverse complement: PKD1 is on the minus strand); the first of 5 consecutive G bases (chr16:2,111,483-2,111,487); deleting any one gives the same sequence. VCF-style (leftmost placement, unchanged base first): chr16-2111482-CG-C. GRCh37 (hg19) VCF-style: chr16-2161483-CG-C.
Other names: c.3684del, p.Val1229fs (NM_000296.4); c.3684del (NM_001009944.2); c.3684delC (NM_001009944.3); short protein forms V1229fs.
Identifiers: ClinVar variation 873400 (VCV000873400.4), dbSNP rs2092503653, ClinGen allele CA1139664351.

ClinVar aggregate classification (germline): Pathogenic/Likely pathogenic. Review status: criteria provided, multiple submitters, no conflicts (2 of 4 stars). 3 submissions from 3 submitters: Pathogenic (2); Likely pathogenic (1). Last evaluated 2025-05-01.

Conditions:
Polycystic kidney disease, adult type (PKD1). Also called: POLYCYSTIC KIDNEY DISEASE 1 WITH OR WITHOUT POLYCYSTIC LIVER DISEASE; Polycystic Kidney Disease 1, Autosomal Dominant; Polycystic kidney disease 1; Polycystic kidney disease 1, severe; Polycystic Kidney, Autosomal Dominant; POLYCYSTIC KIDNEY DISEASE, ADULT, TYPE I. Identifiers: MedGen C3149841, MONDO:0008263, OMIM 173900.

Submissions (3):

Women's Health and Genetics/Laboratory Corporation of America, LabCorp
Classification: Pathogenic for Polycystic kidney disease, adult type. Last evaluated: 2025-05-01. Review status: criteria provided, single submitter. Criteria: LabCorp Variant Classification Summary - May 2015. Collection method: clinical testing. Allele origin: germline.
Comment: Variant summary: PKD1 c.3684delC (p.Val1229TrpfsX44) results in a premature termination codon, predicted to cause a truncation of the encoded protein or absence of the protein due to nonsense mediated decay, which are commonly known mechanisms for disease. The variant was absent in 239998 control chromosomes. c.3684delC has been observed in individual(s) affected with Polycystic Kidney Disease 1 (example: Kim_2019). These data indicate that the variant is associated with disease. To our knowledge, no experimental evidence demonstrating an impact on protein function has been reported. The following publication has been ascertained in the context of this evaluation (PMID: 31740684). ClinVar contains an entry for this variant (Variation ID: 873400). Based on the evidence outlined above, the variant was classified as pathogenic.

Genetic Services Laboratory, University of Chicago
Classification: Likely pathogenic. Last evaluated: 2023-06-09. Review status: criteria provided, single submitter. Criteria: ACMG Guidelines, 2015. Collection method: clinical testing. Allele origin: germline. Affected: yes.
Comment: DNA sequence analysis of the PKD1 gene demonstrated a single base pair deletion in exon 15, c.3684del. This sequence change results in an amino acid frameshift and creates a premature stop codon 43 amino acids downstream of the change, p.Val1229Trpfs*44. This sequence change is predicted to result in an abnormal transcript, which may be degraded, or may lead to the production of a truncated PKD1 protein with potentially abnormal function. This variant has previously been described in the literature in multiple individuals with polycystic kidney disease (PMID: 31740684, 33454723). The c.3684del sequence change has not been described in population databases such as ExAC and gnomAD. Collectively, this evidence indicates that this sequence change is likely pathogenic.

Cavalleri Lab, Royal College of Surgeons in Ireland
Classification: Pathogenic for Polycystic kidney disease, adult type. Last evaluated: 2020-02-05. Review status: criteria provided, single submitter. Criteria: ACMG Guidelines, 2015. Collection method: research. Allele origin: unknown. Inheritance: Autosomal dominant inheritance. Affected: yes.
Comment: PVS1, PM2, PP4, PP5

Literature cited by the submitters: PubMed 31740684 (cited by Women's Health and Genetics/Laboratory Corporation of America, LabCorp).